The following is an entry in ClinVar:

NM_000179.3(MSH6):c.1576G>A (p.Val526Met)

Gene: MSH6 (mutS homolog 6; plus strand). Cytogenetic location: 2p16.3.
Variant type: single nucleotide variant.
Coding change: c.1576G>A on transcript NM_000179.3 (MANE Select); coding-DNA position 1576, G replaced by A.
Protein change: p.Val526Met; replaces valine 526 with methionine.
Molecular consequence: missense variant.
Genome position (GRCh38, 1-based): chr2:47,799,559, G>A. VCF-style: chr2-47799559-G-A. GRCh37 (hg19) VCF-style: chr2-48026698-G-A.
Other names: c.1186G>A, p.Val396Met (NM_001281492.2); c.670G>A, p.Val224Met (NM_001281493.2, NM_001281494.2); short protein forms V526M, V224M, V396M.
Identifiers: ClinVar variation 410432 (VCV000410432.13), dbSNP rs1060502899, ClinGen allele CA16611129.

ClinVar aggregate classification (germline): Uncertain significance. Review status: criteria provided, multiple submitters, no conflicts (2 of 4 stars). 3 submissions from 3 submitters: Uncertain significance (3). Last evaluated 2025-12-03.

Conditions:
Hereditary cancer-predisposing syndrome. Also called: Tumor predisposition; Hereditary Cancer Syndrome; Hereditary neoplastic syndrome; Neoplastic Syndromes, Hereditary. Identifiers: Orphanet 140162, MedGen C0027672, MeSH D009386, MONDO:0015356.
Hereditary nonpolyposis colorectal neoplasms. Identifiers: MedGen C0009405, MeSH D003123.

Allele frequency attached by ClinVar (database versions not stated): gnomAD exomes below 0.00001.

Submissions (3):

Labcorp Genetics (formerly Invitae), Labcorp
Classification: Uncertain significance for Hereditary nonpolyposis colorectal neoplasms. Last evaluated: 2025-12-03. Review status: criteria provided, single submitter. Criteria: Invitae Variant Classification Sherloc (09022015). Collection method: clinical testing. Allele origin: germline.
Comment: This sequence change replaces valine, which is neutral and non-polar, with methionine, which is neutral and non-polar, at codon 526 of the MSH6 protein (p.Val526Met). This variant is not present in population databases (gnomAD no frequency). This variant has not been reported in the literature in individuals affected with MSH6-related conditions. ClinVar contains an entry for this variant (Variation ID: 410432). Invitae Evidence Modeling of protein sequence and biophysical properties (such as structural, functional, and spatial information, amino acid conservation, physicochemical variation, residue mobility, and thermodynamic stability) indicates that this missense variant is not expected to disrupt MSH6 protein function with a negative predictive value of 95%. In summary, the available evidence is currently insufficient to determine the role of this variant in disease. Therefore, it has been classified as a Variant of Uncertain Significance.

Ambry Genetics
Classification: Uncertain significance for Hereditary cancer-predisposing syndrome. Last evaluated: 2023-04-14. Review status: criteria provided, single submitter. Criteria: Ambry Variant Classification Scheme 2023. Collection method: clinical testing. Allele origin: germline.
Comment: The p.V526M variant (also known as c.1576G>A), located in coding exon 4 of the MSH6 gene, results from a G to A substitution at nucleotide position 1576. The valine at codon 526 is replaced by methionine, an amino acid with highly similar properties. This amino acid position is well conserved in available vertebrate species. In addition, the in silico prediction for this alteration is inconclusive. Since supporting evidence is limited at this time, the clinical significance of this alteration remains unclear.

GeneDx
Classification: Uncertain significance. Last evaluated: 2017-02-06. Review status: criteria provided, single submitter. Criteria: GeneDx Variant Classification (06012015). Collection method: clinical testing. Allele origin: germline. Affected: yes.
Comment: This variant is denoted MSH6 c.1576G>A at the cDNA level, p.Val526Met (V526M) at the protein level, and results in the change of a Valine to a Methionine (GTG>ATG). This variant has not, to our knowledge, been published in the literature as pathogenic or benign. MSH6 Val526Met was not observed in approximately 6,500 individuals of European and African American ancestry in the NHLBI Exome Sequencing Project, suggesting it is not a common benign variant in these populations. Since Valine and Methionine share similar properties, this is considered a conservative amino acid substitution. MSH6 Val526Met occurs at a position where amino acids with properties similar to Valine are tolerated across species and is located in the connector domain (Warren 2007, Kansikas 2011). In silico analyses are inconsistent regarding the effect this variant may have on protein structure and function. Based on currently available evidence, it is unclear whether MSH6 Val526Met is a pathogenic or benign variant. We consider it to be a variant of uncertain significance.